The following is an entry in ClinVar:

NM_000222.3(KIT):c.2729A>T (p.Asp910Val)

Gene: KIT (KIT proto-oncogene, receptor tyrosine kinase; plus strand). Cytogenetic location: 4q12.
Variant type: single nucleotide variant.
Coding change: c.2729A>T on transcript NM_000222.3 (MANE Select); coding-DNA position 2729, A replaced by T.
Protein change: p.Asp910Val; replaces aspartic acid 910 with valine.
Molecular consequence: missense variant.
Genome position (GRCh38, 1-based): chr4:54,737,207, A>T. VCF-style: chr4-54737207-A-T. GRCh37 (hg19) VCF-style: chr4-55603373-A-T.
Other names: c.2717A>T, p.Asp906Val (NM_001093772.2, NM_001385292.1); c.2732A>T, p.Asp911Val (NM_001385284.1); c.2726A>T, p.Asp909Val (NM_001385285.1); c.2714A>T, p.Asp905Val (NM_001385286.1); c.2720A>T, p.Asp907Val (NM_001385288.1); c.2729A>T, p.Asp910Val (NM_001385290.1); short protein forms D905V, D911V, D906V, D907V, D909V, D910V.
Identifiers: ClinVar variation 2159662 (VCV002159662.4), dbSNP rs2475585423, ClinGen allele CA356914316.

ClinVar aggregate classification (germline): Uncertain significance. Review status: criteria provided, multiple submitters, no conflicts (2 of 4 stars). 2 submissions from 2 submitters: Uncertain significance (2). Last evaluated 2025-11-02.

Conditions:
Hereditary cancer-predisposing syndrome. Also called: Hereditary Cancer Syndrome; Hereditary neoplastic syndrome; Neoplastic Syndromes, Hereditary; Tumor predisposition. Identifiers: Orphanet 140162, MedGen C0027672, MeSH D009386, MONDO:0015356.
Gastrointestinal stromal tumor. Also called: Gastrointestinal stroma tumor; Gastrointestinal stromal tumor, somatic. Identifiers: Orphanet 44890, MedGen C0238198, MeSH D046152, MONDO:0011719, OMIM 606764, HP:0100723.

Allele frequency attached by ClinVar (database versions not stated): gnomAD exomes below 0.00001.
gnomAD v4.1: 1 of 1,613,808 alleles (0.000062%); highest among the groups gnomAD compares: African/African-American, 0.0013%; no homozygotes.

Submissions (2):

Ambry Genetics
Classification: Uncertain significance for Hereditary cancer-predisposing syndrome. Last evaluated: 2025-11-02. Review status: criteria provided, single submitter. Criteria: Ambry Variant Classification Scheme 2023. Collection method: clinical testing. Allele origin: germline.
Comment: The p.D910V variant (also known as c.2729A>T), located in coding exon 20 of the KIT gene, results from an A to T substitution at nucleotide position 2729. The aspartic acid at codon 910 is replaced by valine, an amino acid with highly dissimilar properties. This amino acid position is conserved. In addition, this alteration is predicted to be deleterious by in silico analysis. Based on the available evidence, the clinical significance of this variant remains unclear.

Labcorp Genetics (formerly Invitae), Labcorp
Classification: Uncertain significance for Gastrointestinal stromal tumor. Last evaluated: 2025-03-21. Review status: criteria provided, single submitter. Criteria: Invitae Variant Classification Sherloc (09022015). Collection method: clinical testing. Allele origin: germline.
Comment: This sequence change replaces aspartic acid, which is acidic and polar, with valine, which is neutral and non-polar, at codon 910 of the KIT protein (p.Asp910Val). This variant is not present in population databases (gnomAD no frequency). This variant has not been reported in the literature in individuals affected with KIT-related conditions. ClinVar contains an entry for this variant (Variation ID: 2159662). An algorithm developed to predict the effect of missense changes on protein structure and function (PolyPhen-2) suggests that this variant is likely to be disruptive. In summary, the available evidence is currently insufficient to determine the role of this variant in disease. Therefore, it has been classified as a Variant of Uncertain Significance.